The following is an entry in ClinVar:

NM_016341.4(PLCE1):c.1180C>T (p.Arg394Cys)

Gene: PLCE1 (phospholipase C epsilon 1; plus strand). Cytogenetic location: 10q23.33.
Variant type: single nucleotide variant.
Coding change: c.1180C>T on transcript NM_016341.4 (MANE Select); coding-DNA position 1180, C replaced by T.
Protein change: p.Arg394Cys; replaces arginine 394 with cysteine.
Molecular consequence: missense variant.
Genome position (GRCh38, 1-based): chr10:94,032,226, C>T. VCF-style: chr10-94032226-C-T. GRCh37 (hg19) VCF-style: chr10-95791983-C-T.
Other names: c.1180C>T, p.Arg394Cys (NM_001288989.2); short protein forms R394C.
Identifiers: ClinVar variation 877697 (VCV000877697.7), dbSNP rs761213168, ClinGen allele CA5612243.

ClinVar aggregate classification (germline): Conflicting classifications of pathogenicity. Review status: criteria provided, conflicting classifications (1 of 4 stars). 4 submissions from 4 submitters: Uncertain significance (2); Likely benign (2). Last evaluated 2024-11-27.

Conditions:
Nephrotic syndrome, type 3 (NPHS3). Also called: NEPHROTIC SYNDROME, EARLY-ONSET, TYPE 3. Identifiers: Orphanet 656, MedGen C1853124, MONDO:0012546, OMIM 610725.

Allele frequency attached by ClinVar (database versions not stated): gnomAD 0.00004 and 0.00006; TOPMed 0.00005; gnomAD exomes 0.00012 and 0.00019; ExAC 0.00020.
gnomAD v4.1: 181 of 1,612,986 alleles (0.011%); highest among the groups gnomAD compares: South Asian, 0.16%; no homozygotes.

Submissions (4):

Blueprint Genetics
Classification: Likely benign. Last evaluated: 2024-11-27. Review status: criteria provided, single submitter. Criteria: ACMG Guidelines, 2015. Collection method: clinical testing. Allele origin: germline.

3billion
Classification: Likely benign for Nephrotic syndrome, type 3. Last evaluated: 2024-09-20. Review status: criteria provided, single submitter. Criteria: ACMG Guidelines, 2015. Collection method: clinical testing. Allele origin: germline. Affected: no.
Comment: The homozygous variant was found in patients diagnosed with another variant in a different gene, with no symptoms related to the gene containing the homozygous variant.

Fulgent Genetics
Classification: Uncertain significance for Nephrotic syndrome, type 3. Last evaluated: 2022-05-23. Review status: criteria provided, single submitter. Criteria: ACMG Guidelines, 2015. Collection method: clinical testing. Allele origin: unknown.

Illumina Laboratory Services, Illumina
Classification: Uncertain significance for Nephrotic syndrome, type 3. Last evaluated: 2017-04-27. Review status: criteria provided, single submitter. Criteria: ICSL Variant Classification Criteria 13 December 2019. Collection method: clinical testing. Allele origin: germline.